The following is an entry in ClinVar:

ClinVar aggregate classification (germline): Benign. Review status: criteria provided, multiple submitters, no conflicts (2 of 4 stars). 14 submissions from 14 submitters: Benign (12). 2 of the submissions do not count toward it. Last evaluated 2026-02-04.

Conditions:
Myofibrillar myopathy 5. Also called: Filaminopathy (type); FILAMINOPATHY, AUTOSOMAL DOMINANT. Identifiers: Orphanet 171445, MedGen C1836050, MONDO:0012289, OMIM 609524.
Distal myopathy with posterior leg and anterior hand involvement. Also called: WILLIAMS DISTAL MYOPATHY. Identifiers: Orphanet 63273, MedGen C3279722, MONDO:0013550, OMIM 614065.
Hypertrophic cardiomyopathy 26. Also called: Cardiomyopathy, familial hypertrophic, 26. Identifiers: Orphanet 75249, MedGen C4310749, MONDO:0014883, OMIM 617047.
Cardiovascular phenotype. Identifiers: MedGen CN230736.

Allele frequency attached by ClinVar (database versions not stated): gnomAD exomes 0.10499 and 0.11206; TOPMed 0.10724; ExAC 0.10858; gnomAD 0.10971 and 0.11050; ESP Exome Variant Server 0.11440; 1000 Genomes Project 30x 0.11821; 1000 Genomes Project 0.12101.
gnomAD v4.1: 180,718 of 1,614,090 alleles (11%); highest among the groups gnomAD compares: South Asian, 14%; 10,405 homozygotes.

Submissions (14):

Labcorp Genetics (formerly Invitae), Labcorp
Classification: Benign for Distal myopathy with posterior leg and anterior hand involvement; Myofibrillar myopathy 5; Hypertrophic cardiomyopathy 26. Last evaluated: 2026-02-04. Review status: criteria provided, single submitter. Criteria: Invitae Variant Classification Sherloc (09022015). Collection method: clinical testing. Allele origin: germline.

Molecular Diagnostic Laboratory for Inherited Cardiovascular Disease, Montreal Heart Institute
Classification: Benign. Last evaluated: 2025-04-09. Review status: criteria provided, single submitter. Criteria: ACMG Guidelines, 2015. Collection method: clinical testing. Allele origin: germline. Affected: no.

Blueprint Genetics
Classification: Benign. Last evaluated: 2024-11-27. Review status: criteria provided, single submitter. Criteria: ACMG Guidelines, 2015. Collection method: clinical testing. Allele origin: germline.

Women's Health and Genetics/Laboratory Corporation of America, LabCorp
Classification: Benign. Last evaluated: 2023-04-04. Review status: criteria provided, single submitter. Criteria: LabCorp Variant Classification Summary - May 2015. Collection method: clinical testing. Allele origin: germline.

Mayo Clinic Laboratories, Mayo Clinic
Classification: Benign. Last evaluated: 2022-04-26. Review status: criteria provided, single submitter. Criteria: ACMG Guidelines, 2015. Collection method: clinical testing. Allele origin: germline. Observed: 347 variant alleles.

Ambry Genetics
Classification: Benign for Cardiovascular phenotype. Last evaluated: 2018-12-21. Review status: criteria provided, single submitter. Criteria: Ambry Variant Classification Scheme 2023. Collection method: clinical testing. Allele origin: germline.

Athena Diagnostics
Classification: Benign. Last evaluated: 2017-09-12. Review status: criteria provided, single submitter. Criteria: Athena Diagnostics Criteria. Collection method: clinical testing. Allele origin: germline.

GeneDx
Classification: Benign. Last evaluated: 2016-02-08. Review status: criteria provided, single submitter. Criteria: GeneDx Variant Classification (06012015). Collection method: clinical testing. Allele origin: germline. Affected: yes.
Comment: This variant is considered likely benign or benign based on one or more of the following criteria: it is a conservative change, it occurs at a poorly conserved position in the protein, it is predicted to be benign by multiple in silico algorithms, and/or has population frequency not consistent with disease.

PreventionGenetics, part of Exact Sciences
Classification: Benign. Last evaluated: 2016-01-07. Review status: criteria provided, single submitter. Criteria: ACMG Guidelines, 2015. Collection method: clinical testing. Allele origin: germline.

Laboratory for Molecular Medicine, Mass General Brigham Personalized Medicine
Classification: Benign. Last evaluated: 2015-01-13. Review status: criteria provided, single submitter. Criteria: LMM Criteria. Collection method: clinical testing. Allele origin: germline. Observed: 5 variant alleles.
Comment: p.Gly265Gly in exon 4 of FLNC: This variant is not expected to have clinical sig nificance because it does not alter an amino acid residue and is not located wit hin the splice consensus sequence. It has been identified in 12.1% (529/4356) of African American chromosomes from a broad population by the NHLBI Exome Sequenc ing Project (dbSNP rs2291561).

Genetic Services Laboratory, University of Chicago
Classification: Benign for AllHighlyPenetrant. Last evaluated: 2013-08-15. Review status: criteria provided, single submitter. Criteria: ACMG Guidelines, 2007. Collection method: clinical testing. Allele origin: germline. Inheritance: Autosomal dominant inheritance.

Breakthrough Genomics
Classification: Benign. Review status: criteria provided, single submitter. Criteria: ACMG Guidelines, 2015. Collection method: not provided. Allele origin: germline. Inheritance: Autosomal dominant inheritance. Affected: yes.

Clinical Genetics, Academic Medical Center
Classification: Benign. Review status: no assertion criteria provided. Collection method: clinical testing. Allele origin: germline. Affected: yes. Study: VKGL Data-share Consensus. Not counted in ClinVar's aggregate classification.

Joint Genome Diagnostic Labs from Nijmegen and Maastricht, Radboudumc and MUMC+
Classification: Benign. Review status: no assertion criteria provided. Collection method: clinical testing. Allele origin: germline. Affected: yes. Study: VKGL Data-share Consensus. Not counted in ClinVar's aggregate classification.

NM_001458.5(FLNC):c.795T>C (p.Gly265=)

Gene: FLNC (filamin C; plus strand). Cytogenetic location: 7q32.1.
Variant type: single nucleotide variant.
Coding change: c.795T>C on transcript NM_001458.5 (MANE Select); coding-DNA position 795, T replaced by C.
Protein change: p.Gly265=; no amino-acid change (glycine 265 retained).
Molecular consequence: synonymous variant.
Genome position (GRCh38, 1-based): chr7:128,837,493, T>C. VCF-style: chr7-128837493-T-C. GRCh37 (hg19) VCF-style: chr7-128477547-T-C.
Other names: p.Gly265=; c.795T>C, p.Gly265= (NM_001127487.2).
Identifiers: ClinVar variation 129099 (VCV000129099.29), dbSNP rs2291561, ClinGen allele CA152884.
Genomic context (GRCh38, chr7:128,837,493, plus strand): 5'-GGATGAGCATTCTGTTATGACCTACCTGTCCCAGTTCCCCAAGGCCAAGCTCAAACCTGG[T>C]GCCCCTGTTCGATCCAAGCAGCTGAACCCCAAGAAAGCCATCGCCTATGGGCCTGGTATG-3'
Protein context (NP_001449.3, residues 255-275): SQFPKAKLKP[Gly265=]APVRSKQLNP